The following is an entry in ClinVar:

NM_001199107.2(TBC1D24):c.1206+13C>T

Gene: TBC1D24 (TBC1 domain family member 24; plus strand). Cytogenetic location: 16p13.3.
Variant type: single nucleotide variant.
Coding change: c.1206+13C>T on transcript NM_001199107.2 (MANE Select); 13 bases into the intron after coding-DNA position 1206, C replaced by T.
Molecular consequence: intron variant.
Genome position (GRCh38, 1-based): chr16:2,499,433, C>T. VCF-style: chr16-2499433-C-T. GRCh37 (hg19) VCF-style: chr16-2549434-C-T.
Other names: c.1188+13C>T (NM_020705.3).
Identifiers: ClinVar variation 516724 (VCV000516724.9), dbSNP rs376162122, ClinGen allele CA7844198.
Genomic context (GRCh38, chr16:2,499,433, plus strand): 5'-GAAGGACATGAGCCTACCCTCTTGCTCATCAAGACCACGCAGAAGGAGGTGAGCAGGGGC[C>T]CTGGAGCCAGGGCTGGCTCTGATGGGCTCCAGGGCTGGCTCTGATGGGCTCCAGGGCTGG-3'

ClinVar aggregate classification (germline): Likely benign. Review status: criteria provided, multiple submitters, no conflicts (2 of 4 stars). 2 submissions from 2 submitters: Likely benign (2). Last evaluated 2025-12-15.

Conditions:
Developmental and epileptic encephalopathy, 1 (DEE1). Also called: X-linked infantile spasms; West's syndrome; Tonic spasms with clustering, arrest of psychomotor development and hypsarrhythmia on EEG; X-Linked Infantile Spasm Syndrome; OHTAHARA SYNDROME, X-LINKED; Epileptic encephalopathy, early infantile, 1. Identifiers: MedGen C3463992, MONDO:0010632, OMIM 308350. Disease mechanism: loss of function.
Autosomal dominant nonsyndromic hearing loss 65. Also called: Deafness, autosomal dominant 65; TBC1D24-Related Autosomal Dominant Nonsyndromic Hearing Loss (DFNA). Identifiers: Orphanet 90635, MedGen C3892048, MONDO:0014470, OMIM 616044.

Allele frequency attached by ClinVar (database versions not stated): TOPMed 0.00002; gnomAD exomes 0.00006; 1000 Genomes Project 0.00040; gnomAD 0.00001 and 0.00005; ExAC 0.00008; 1000 Genomes Project 30x 0.00062.
gnomAD v4.1: 62 of 1,612,278 alleles (0.0038%); highest among the groups gnomAD compares: South Asian, 0.036%; no homozygotes.

Submissions (2):

Labcorp Genetics (formerly Invitae), Labcorp
Classification: Likely benign for Developmental and epileptic encephalopathy, 1; Autosomal dominant nonsyndromic hearing loss 65. Last evaluated: 2025-12-15. Review status: criteria provided, single submitter. Criteria: Invitae Variant Classification Sherloc (09022015). Collection method: clinical testing. Allele origin: germline.

GeneDx
Classification: Likely benign. Last evaluated: 2018-01-11. Review status: criteria provided, single submitter. Criteria: GeneDx Variant Classification (06012015). Collection method: clinical testing. Allele origin: germline. Affected: yes.
Comment: This variant is considered likely benign or benign based on one or more of the following criteria: it is a conservative change, it occurs at a poorly conserved position in the protein, it is predicted to be benign by multiple in silico algorithms, and/or has population frequency not consistent with disease.